The following is an entry in ClinVar:

ClinVar aggregate classification (germline): Likely benign (1 of 4 stars; one submission).

Allele frequency attached by ClinVar (database versions not stated): 1000 Genomes Project 30x 0.00312; 1000 Genomes Project 0.00319; gnomAD 0.00433; TOPMed 0.00462; ExAC 0.00515; ESP Exome Variant Server 0.00592; gnomAD exomes 0.00697.
gnomAD v4.1: 10,712 of 1,611,934 alleles (0.66%); highest among the groups gnomAD compares: Non-Finnish European, 0.81%; 55 homozygotes.

Submission:

CeGaT Center for Human Genetics Tuebingen
Classification: Likely benign. Last evaluated: 2023-03-01. Review status: criteria provided, single submitter. Criteria: CeGaT Center For Human Genetics Tuebingen Variant Classification Criteria Version 2. Collection method: clinical testing. Allele origin: germline. Affected: yes. Observed: 1 variant allele.
Comment: BRME1: BP4, BS2

NM_001345843.2(BRME1):c.1858C>T (p.Arg620Trp)

Gene: BRME1 (break repair meiotic recombinase recruitment factor 1; minus strand). Cytogenetic location: 19p13.12.
Variant type: single nucleotide variant.
Coding change: c.1858C>T on transcript NM_001345843.2 (MANE Select); coding-DNA position 1858, C replaced by T.
Protein change: p.Arg620Trp; replaces arginine 620 with tryptophan.
Molecular consequence: missense variant.
Genome position (GRCh38, 1-based): chr19:13,882,951, G>A on the plus strand (C>T on the coding strand, the complement: BRME1 is on the minus strand). VCF-style: chr19-13882951-G-A. GRCh37 (hg19) VCF-style: chr19-13993764-G-A.
Other names: c.1765C>T, p.Arg589Trp (NM_001345844.2, NM_024323.5); c.1504C>T, p.Arg502Trp (NM_001345846.2, NM_001393647.1); c.1411C>T, p.Arg471Trp (NM_001345847.2); c.583C>T, p.Arg195Trp (NM_001345848.2); c.1858C>T, p.Arg620Trp (NM_001393645.1, NM_001393646.1); c.490C>T, p.Arg164Trp (NM_001393648.1); short protein forms R164W, R195W, R471W, R502W, R589W, R620W.
Identifiers: ClinVar variation 2649402 (VCV002649402.24), dbSNP rs77270337, ClinGen allele CA9243562.
Genomic context (GRCh38, chr19:13,882,951, plus strand): 5'-TCTTCCGGTAGTTAAGGCGCTTGAAAGCTTCCAGGTCCCGGTGGGTGCCCATGATCAGCC[G>A]GCTGTGGGGGAAACACAGGCATGCGTGTGGGGCTCAGTGGTCACCAGGTGACAGAGGGGG-3'
Protein context (NP_001332772.2, residues 610-630): GLIVELSNLN[Arg620Trp]LIMGTHRDLE